The following is an entry in ClinVar:

NM_001360016.2(G6PD):c.224T>C (p.Leu75Pro)

Gene: G6PD (glucose-6-phosphate dehydrogenase; minus strand). Cytogenetic location: Xq28.
Variant type: single nucleotide variant.
Coding change: c.224T>C on transcript NM_001360016.2 (MANE Select); coding-DNA position 224, T replaced by C.
Protein change: p.Leu75Pro; replaces leucine 75 with proline.
Molecular consequence: missense variant.
Genome position (GRCh38, 1-based): chrX:154,535,980, A>G on the plus strand (T>C on the coding strand, the complement: G6PD is on the minus strand). VCF-style: chrX-154535980-A-G. GRCh37 (hg19) VCF-style: chrX-153764195-A-G.
Other names: G6PD Swansea; c.314T>C, p.Leu105Pro (NM_000402.4); c.224T>C, p.Leu75Pro (NM_001042351.3); short protein forms L105P, L75P.
Identifiers: ClinVar variation 1722714 (VCV001722714.2), dbSNP rs2523272742, ClinGen allele CA415239727.
Genomic context (GRCh38, chrX:154,535,980, plus strand): 5'-GCCCTGACACCACCCACCTTGAAGAAGGGCTCACTCTGTTTGCGGATGTCAGCCACTGTG[A>G]GGCGGGAACGGGCATAGCCCACGATGAAGGTGTTTTCGGGCAGAAGGCCATCCCGGAACA-3'
Protein context (NP_001346945.1, residues 65-85): TFIVGYARSR[Leu75Pro]TVADIRKQSE

ClinVar aggregate classification (germline): Likely pathogenic (1 of 4 stars; one submission).

Conditions:
Anemia, nonspherocytic hemolytic, due to G6PD deficiency (CNSHA1). Also called: Hemolytic anemia due to G6PD deficiency; Class I glucose-6-phosphate dehydrogenase deficiency; Favism, susceptibility to; ANEMIA, CONGENITAL, NONSPHEROCYTIC HEMOLYTIC, 1. Identifiers: Orphanet 466026, MedGen C2720289, MONDO:0010480, OMIM 300908.

Submission:

Dunham Lab, University of Washington
Classification: Likely pathogenic for Anemia, nonspherocytic hemolytic, due to G6PD deficiency. Last evaluated: 2022-08-12. Review status: criteria provided, single submitter. Criteria: Bayesian ACMG Guidelines, 2018. Collection method: curation. Allele origin: unknown. Affected: yes.
Comment: Decreased activity in red blood cells of hemizygote (10%) (PS3). Not observed in gnomAD (PM2). Post_P 0.949 (odds of pathogenicity 168.4, Prior_P 0.1).

Literature cited by the submitters: PubMed 7858267.